The following is an entry in ClinVar:

NM_018979.4(WNK1):c.6278G>A (p.Arg2093His)

Gene: WNK1 (WNK lysine deficient protein kinase 1; plus strand). Cytogenetic location: 12p13.33.
Variant type: single nucleotide variant.
Coding change: c.6278G>A on transcript NM_018979.4 (MANE Select); coding-DNA position 6278, G replaced by A.
Protein change: p.Arg2093His; replaces arginine 2093 with histidine.
Molecular consequence: missense variant.
Genome position (GRCh38, 1-based): chr12:897,511, G>A. VCF-style: chr12-897511-G-A. GRCh37 (hg19) VCF-style: chr12-1006677-G-A.
Other names: c.7058G>A, p.Arg2353His (NM_001184985.2); c.5534G>A, p.Arg1845His (NM_014823.3); c.7034G>A, p.Arg2345His (NM_213655.5); short protein forms R2093H, R2345H, R2353H, R1845H.
Identifiers: ClinVar variation 502108 (VCV000502108.20), dbSNP rs200315094, ClinGen allele CA6383377.

ClinVar aggregate classification (germline): Uncertain significance. Review status: criteria provided, multiple submitters, no conflicts (2 of 4 stars). 6 submissions from 6 submitters: Uncertain significance (6). Last evaluated 2025-12-11.

Conditions:
Neuropathy, hereditary sensory and autonomic, type 2A (HSAN2A). Also called: ACROOSTEOLYSIS, GIACCAI TYPE; ACROOSTEOLYSIS, NEUROGENIC; MORVAN DISEASE; NEUROPATHY, CONGENITAL SENSORY; NEUROPATHY, HEREDITARY SENSORY RADICULAR, AUTOSOMAL RECESSIVE; NEUROPATHY, HEREDITARY SENSORY, TYPE IIA. Identifiers: Orphanet 970, MedGen C2752089, MONDO:0024309, OMIM 201300.
Pseudohypoaldosteronism type 2C (PHA2C). Also called: Pseudohypoaldosteronism Type IIC. Identifiers: Orphanet 757, Orphanet 88940, MedGen C1840391, MONDO:0013778, OMIM 614492.
Inborn genetic diseases. Identifiers: MedGen C0950123, MeSH D030342.

Allele frequency attached by ClinVar (database versions not stated): ExAC 0.00002; gnomAD exomes 0.00002 and 0.00004; gnomAD 0.00006; TOPMed 0.00008.
gnomAD v4.1: 59 of 1,611,478 alleles (0.0037%); highest among the groups gnomAD compares: Middle Eastern, 0.016%; no homozygotes.

Submissions (6):

Labcorp Genetics (formerly Invitae), Labcorp
Classification: Uncertain significance for Neuropathy, hereditary sensory and autonomic, type 2A; Pseudohypoaldosteronism type 2C. Last evaluated: 2025-12-11. Review status: criteria provided, single submitter. Criteria: Invitae Variant Classification Sherloc (09022015). Collection method: clinical testing. Allele origin: germline.
Comment: This sequence change replaces arginine, which is basic and polar, with histidine, which is basic and polar, at codon 2345 of the WNK1 protein (p.Arg2345His). This variant is present in population databases (rs200315094, gnomAD 0.005%). This variant has not been reported in the literature in individuals affected with WNK1-related conditions. ClinVar contains an entry for this variant (Variation ID: 502108). Invitae Evidence Modeling of protein sequence and biophysical properties (such as structural, functional, and spatial information, amino acid conservation, physicochemical variation, residue mobility, and thermodynamic stability) indicates that this missense variant is not expected to disrupt WNK1 protein function with a negative predictive value of 95%. In summary, the available evidence is currently insufficient to determine the role of this variant in disease. Therefore, it has been classified as a Variant of Uncertain Significance.

GeneDx
Classification: Uncertain significance. Last evaluated: 2024-05-10. Review status: criteria provided, single submitter. Criteria: GeneDx Variant Classification Process June 2021. Collection method: clinical testing. Allele origin: germline. Affected: yes.
Comment: In silico analysis supports that this missense variant has a deleterious effect on protein structure/function; Has not been previously published as pathogenic or benign to our knowledge

Fulgent Genetics
Classification: Uncertain significance for Neuropathy, hereditary sensory and autonomic, type 2A; Pseudohypoaldosteronism type 2C. Last evaluated: 2024-02-02. Review status: criteria provided, single submitter. Criteria: ACMG Guidelines, 2015. Collection method: clinical testing. Allele origin: germline.

Ambry Genetics
Classification: Uncertain significance for Inborn genetic diseases. Last evaluated: 2022-03-11. Review status: criteria provided, single submitter. Criteria: Ambry Variant Classification Scheme 2023. Collection method: clinical testing. Allele origin: germline.
Comment: The p.R2345H variant (also known as c.7034G>A), located in coding exon 25 of the WNK1 gene, results from a G to A substitution at nucleotide position 7034. The arginine at codon 2345 is replaced by histidine, an amino acid with highly similar properties. This amino acid position is highly conserved in available vertebrate species. In addition, the in silico prediction for this alteration is inconclusive. Since supporting evidence is limited at this time, the clinical significance of this alteration remains unclear.

Blueprint Genetics
Classification: Uncertain significance. Last evaluated: 2021-04-30. Review status: criteria provided, single submitter. Criteria: ACMG Guidelines, 2015. Collection method: clinical testing. Allele origin: germline.

Eurofins Ntd Llc (ga)
Classification: Uncertain significance. Last evaluated: 2017-05-26. Review status: criteria provided, single submitter. Criteria: EGL Classification Definitions 2015. Collection method: clinical testing. Allele origin: germline. Observed: 1 variant allele, 1 heterozygote.